The following is an entry in ClinVar:

NM_001008212.2(OPTN):c.1724G>A (p.Cys575Tyr)

Gene: OPTN (optineurin; plus strand). Cytogenetic location: 10p13.
Variant type: single nucleotide variant.
Coding change: c.1724G>A on transcript NM_001008212.2 (MANE Select); coding-DNA position 1724, G replaced by A.
Protein change: p.Cys575Tyr; replaces cysteine 575 with tyrosine.
Molecular consequence: missense variant.
Genome position (GRCh38, 1-based): chr10:13,136,856, G>A. VCF-style: chr10-13136856-G-A. GRCh37 (hg19) VCF-style: chr10-13178856-G-A.
Other names: c.1724G>A, p.Cys575Tyr (NM_001008211.1, NM_001008213.1, NM_021980.4); short protein forms C575Y.
Identifiers: ClinVar variation 2922861 (VCV002922861.5), dbSNP rs896672755, ClinGen allele CA203272244.
Genomic context (GRCh38, chr10:13,136,856, plus strand): 5'-GCCCCAAGTGTGGAGAGGTTCTGCCTGACATAGACACGTTACAGATTCACGTGATGGATT[G>A]CATCATTTAAGTGTTGATGTATCACCTCCCCAAAACTGTTGGTAAATGTCAGATTTTTTC-3'
Protein context (NP_001008213.1, residues 565-577): IDTLQIHVMD[Cys575Tyr]II

ClinVar aggregate classification (germline): Uncertain significance. Review status: criteria provided, multiple submitters, no conflicts (2 of 4 stars). 2 submissions from 2 submitters: Uncertain significance (2). Last evaluated 2024-10-24.

Conditions:
OPTN-related disorder. Also called: OPTN-related condition; OPTN-related disorders.
Amyotrophic lateral sclerosis type 12 (ALS12). Also called: AMYOTROPHIC LATERAL SCLEROSIS 12 WITH OR WITHOUT FRONTOTEMPORAL DEMENTIA. Identifiers: Orphanet 803, MedGen C3150692, MONDO:0013264, OMIM 613435.
Glaucoma 1, open angle, E. Identifiers: MedGen C1842026, MONDO:0007665.
Primary open angle glaucoma (POAG). Also called: OPTN-related open angle glaucoma. Identifiers: MedGen C0339573, MONDO:0100553, OMIM 137760.

Allele frequency attached by ClinVar (database versions not stated): gnomAD 0.00001; TOPMed 0.00001.
gnomAD v4.1: 7 of 1,614,050 alleles (0.00043%); highest among the groups gnomAD compares: Non-Finnish European, 0.00059%; no homozygotes.

Submissions (2):

PreventionGenetics, part of Exact Sciences
Classification: Uncertain significance for OPTN-related condition. Last evaluated: 2024-10-24. Review status: criteria provided, single submitter. Criteria: ACMG Guidelines, 2015. Collection method: clinical testing. Allele origin: germline.
Comment: The OPTN c.1724G>A variant is predicted to result in the amino acid substitution p.Cys575Tyr. To our knowledge, this variant has not been reported in the literature. This variant is reported in 0.00088% of alleles in individuals of European (Non-Finnish) descent in gnomAD. At this time, the clinical significance of this variant is uncertain due to the absence of conclusive functional and genetic evidence.

Labcorp Genetics (formerly Invitae), Labcorp
Classification: Uncertain significance for Primary open angle glaucoma; Glaucoma 1, open angle, E; Amyotrophic lateral sclerosis type 12. Last evaluated: 2024-01-29. Review status: criteria provided, single submitter. Criteria: Invitae Variant Classification Sherloc (09022015). Collection method: clinical testing. Allele origin: germline.
Comment: This sequence change replaces cysteine, which is neutral and slightly polar, with tyrosine, which is neutral and polar, at codon 575 of the OPTN protein (p.Cys575Tyr). This variant is not present in population databases (gnomAD no frequency). This variant has not been reported in the literature in individuals affected with OPTN-related conditions. Advanced modeling of protein sequence and biophysical properties (such as structural, functional, and spatial information, amino acid conservation, physicochemical variation, residue mobility, and thermodynamic stability) performed at Invitae indicates that this missense variant is expected to disrupt OPTN protein function with a positive predictive value of 80%. In summary, the available evidence is currently insufficient to determine the role of this variant in disease. Therefore, it has been classified as a Variant of Uncertain Significance.